The following is an entry in ClinVar:

ClinVar aggregate classification (germline): Uncertain significance (1 of 4 stars; one submission).

Allele frequency attached by ClinVar (database versions not stated): gnomAD exomes 0.00001; ExAC 0.00002.
gnomAD v4.1: 3 of 1,613,888 alleles (0.00019%); highest among the groups gnomAD compares: Non-Finnish European, 0.00025%; no homozygotes.

Submission:

Labcorp Genetics (formerly Invitae), Labcorp
Classification: Uncertain significance. Last evaluated: 2022-10-27. Review status: criteria provided, single submitter. Criteria: Invitae Variant Classification Sherloc (09022015). Collection method: clinical testing. Allele origin: germline.
Comment: Algorithms developed to predict the effect of missense changes on protein structure and function are either unavailable or do not agree on the potential impact of this missense change (SIFT: "Deleterious"; PolyPhen-2: "Benign"; Align-GVGD: "Class C0"). This sequence change replaces asparagine, which is neutral and polar, with aspartic acid, which is acidic and polar, at codon 587 of the CACNA2D4 protein (p.Asn587Asp). This variant is present in population databases (rs759153873, gnomAD 0.004%). This variant has not been reported in the literature in individuals affected with CACNA2D4-related conditions. In summary, the available evidence is currently insufficient to determine the role of this variant in disease. Therefore, it has been classified as a Variant of Uncertain Significance.

NM_172364.5(CACNA2D4):c.1759A>G (p.Asn587Asp)

Gene: CACNA2D4 (calcium voltage-gated channel auxiliary subunit alpha2delta 4; minus strand). Cytogenetic location: 12p13.33.
Variant type: single nucleotide variant.
Coding change: c.1759A>G on transcript NM_172364.5 (MANE Select); coding-DNA position 1759, A replaced by G.
Protein change: p.Asn587Asp; replaces asparagine 587 with aspartic acid.
Molecular consequence: missense variant.
Genome position (GRCh38, 1-based): chr12:1,875,298, T>C on the plus strand (A>G on the coding strand, the complement: CACNA2D4 is on the minus strand). VCF-style: chr12-1875298-T-C. GRCh37 (hg19) VCF-style: chr12-1984464-T-C.
Other names: short protein forms N587D.
Identifiers: ClinVar variation 2135609 (VCV002135609.4), dbSNP rs759153873, ClinGen allele CA6386999.